The following is an entry in ClinVar:

NM_001349253.2(SCN11A):c.2710_2719del (p.Pro904fs)

Gene: SCN11A (sodium voltage-gated channel alpha subunit 11; minus strand). Cytogenetic location: 3p22.2.
Variant type: Deletion.
Coding change: c.2710_2719del on transcript NM_001349253.2 (MANE Select); coding-DNA positions 2710 to 2719, 10 bases deleted (CCAAAGACCC; older notation c.2710_2719delCCAAAGACCC).
Protein change: p.Pro904fs; shifts the reading frame from proline 904.
Molecular consequence: frameshift variant.
Genome position (GRCh38, 1-based): chr3:38,894,649-38,894,658, GGGTCTTTGG deleted on the plus strand (CCAAAGACCC on the coding strand, the reverse complement: SCN11A is on the minus strand). VCF-style (leftmost placement, unchanged base first): chr3-38894648-AGGGTCTTTGG-A. GRCh37 (hg19) VCF-style: chr3-38936139-AGGGTCTTTGG-A.
Other names: c.2710_2719del, p.Pro904fs (NM_014139.3); short protein forms P904fs.
Identifiers: ClinVar variation 2933777 (VCV002933777.3), dbSNP rs2065559632, ClinGen allele CA1358718145.

ClinVar aggregate classification (germline): Uncertain significance (1 of 4 stars; one submission).

Conditions:
Hereditary sensory and autonomic neuropathy type 7. Also called: Neuropathy, hereditary sensory and autonomic, type VII; HSAN VII. Identifiers: Orphanet 391397, MedGen C3809882, MONDO:0014244, OMIM 615548.
Familial episodic pain syndrome with predominantly lower limb involvement. Also called: Episodic pain syndrome, familial, 3. Identifiers: Orphanet 391384, Orphanet 391392, MedGen C3809899, MONDO:0014247, OMIM 615552.

Allele frequency attached by ClinVar (database versions not stated): gnomAD exomes below 0.00001.

Submission:

Labcorp Genetics (formerly Invitae), Labcorp
Classification: Uncertain significance for Familial episodic pain syndrome with predominantly lower limb involvement; Hereditary sensory and autonomic neuropathy type 7. Last evaluated: 2023-08-20. Review status: criteria provided, single submitter. Criteria: Invitae Variant Classification Sherloc (09022015). Collection method: clinical testing. Allele origin: germline.
Comment: This variant has not been reported in the literature in individuals affected with SCN11A-related conditions. This sequence change creates a premature translational stop signal (p.Pro904Trpfs*70) in the SCN11A gene. It is expected to result in an absent or disrupted protein product. However, the current clinical and genetic evidence is not sufficient to establish whether loss-of-function variants in SCN11A cause disease. This variant is not present in population databases (gnomAD no frequency). In summary, the available evidence is currently insufficient to determine the role of this variant in disease. Therefore, it has been classified as a Variant of Uncertain Significance.